The following is an entry in ClinVar:

ClinVar aggregate classification (germline): Uncertain significance. Review status: criteria provided, multiple submitters, no conflicts (2 of 4 stars). 2 submissions from 2 submitters: Uncertain significance (2). Last evaluated 2024-10-15.

Conditions:
Inborn genetic diseases. Identifiers: MedGen C0950123, MeSH D030342.

Allele frequency attached by ClinVar (database versions not stated): gnomAD exomes 0.00002; gnomAD 0.00003; TOPMed 0.00003; ESP Exome Variant Server 0.00008.
gnomAD v4.1: 37 of 1,550,472 alleles (0.0024%); highest among the groups gnomAD compares: Middle Eastern, 0.034%; no homozygotes.

Submissions (2):

Labcorp Genetics (formerly Invitae), Labcorp
Classification: Uncertain significance. Last evaluated: 2024-10-15. Review status: criteria provided, single submitter. Criteria: Invitae Variant Classification Sherloc (09022015). Collection method: clinical testing. Allele origin: germline.
Comment: This sequence change replaces isoleucine, which is neutral and non-polar, with methionine, which is neutral and non-polar, at codon 121 of the KISS1R protein (p.Ile121Met). This variant is present in population databases (rs377317166, gnomAD 0.006%). This variant has not been reported in the literature in individuals affected with KISS1R-related conditions. Invitae Evidence Modeling of protein sequence and biophysical properties (such as structural, functional, and spatial information, amino acid conservation, physicochemical variation, residue mobility, and thermodynamic stability) indicates that this missense variant is not expected to disrupt KISS1R protein function with a negative predictive value of 80%. In summary, the available evidence is currently insufficient to determine the role of this variant in disease. Therefore, it has been classified as a Variant of Uncertain Significance.

Ambry Genetics
Classification: Uncertain significance for Inborn genetic diseases. Last evaluated: 2024-03-01. Review status: criteria provided, single submitter. Criteria: Ambry Variant Classification Scheme 2023. Collection method: clinical testing. Allele origin: germline.

NM_032551.5(KISS1R):c.363C>G (p.Ile121Met)

Gene: KISS1R (KISS1 receptor; plus strand). Cytogenetic location: 19p13.3.
Variant type: single nucleotide variant.
Coding change: c.363C>G on transcript NM_032551.5 (MANE Select); coding-DNA position 363, C replaced by G.
Protein change: p.Ile121Met; replaces isoleucine 121 with methionine.
Molecular consequence: missense variant.
Genome position (GRCh38, 1-based): chr19:918,662, C>G. VCF-style: chr19-918662-C-G. GRCh37 (hg19) VCF-style: chr19-918662-C-G.
Other names: c.363C>G (NM_032551.4); short protein forms I121M.
Identifiers: ClinVar variation 2885187 (VCV002885187.4), dbSNP rs377317166, ClinGen allele CA303955112.